The following continues an entry in ClinVar:

NM_001365536.1(SCN9A):c.2192T>A (p.Ile731Lys)

ClinVar aggregate classification (germline): Conflicting classifications of pathogenicity. Pathogenic (1); Uncertain significance (11); Likely benign (5).

Submissions 13 to 19 of 19:

Illumina Laboratory Services, Illumina
Classification: Likely benign for Primary erythromelalgia. Last evaluated: 2017-04-28. Review status: criteria provided, single submitter. Criteria: ICSL Variant Classification Criteria 13 December 2019. Collection method: clinical testing. Allele origin: germline.
Comment: This variant was observed as part of a predisposition screen in an ostensibly healthy population. A literature search was performed for the gene, cDNA change, and amino acid change (where applicable). No publications were found based on this search. Allele frequency data from public databases allowed determination this variant is unlikely to cause disease. Therefore, this variant is classified as likely benign.

Illumina Laboratory Services, Illumina
Classification: Likely benign for Channelopathy-associated congenital insensitivity to pain, autosomal recessive. Last evaluated: 2017-04-28. Review status: criteria provided, single submitter. Criteria: ICSL Variant Classification Criteria 13 December 2019. Collection method: clinical testing. Allele origin: germline.
Comment: This variant was observed as part of a predisposition screen in an ostensibly healthy population. A literature search was performed for the gene, cDNA change, and amino acid change (where applicable). No publications were found based on this search. Allele frequency data from public databases allowed determination this variant is unlikely to cause disease. Therefore, this variant is classified as likely benign.

Genetic Services Laboratory, University of Chicago
Classification: Uncertain significance. Last evaluated: 2015-04-16. Review status: criteria provided, single submitter. Criteria: ACMG Guidelines, 2015. Collection method: clinical testing. Allele origin: germline.

Baylor Genetics
Classification: Pathogenic for Primary erythromelalgia. Last evaluated: 2014-05-02. Review status: criteria provided, single submitter. Criteria: Yang et al. 2013. Collection method: clinical testing. Allele origin: germline. Inheritance: Autosomal dominant inheritance. Observed: 3 variant alleles, 3 heterozygotes. Study: Adult_WES.

Baylor Genetics
Classification: Uncertain significance for Channelopathy-associated congenital insensitivity to pain, autosomal recessive. Review status: criteria provided, single submitter. Criteria: ACMG Guidelines, 2015. Collection method: clinical testing. Allele origin: unknown.

Clinical Genetics Laboratory, University Hospital Schleswig-Holstein
Classification: Uncertain significance for Primary erythromelalgia. Last evaluated: 2021-12-01. Review status: no assertion criteria provided. Collection method: clinical testing. Allele origin: germline. Affected: yes. Not counted in ClinVar's aggregate classification.

OMIM
Classification: Pathogenic for NEUROPATHY, SMALL FIBER. Last evaluated: 2012-01-01. Review status: flagged submission. Collection method: literature only. Allele origin: germline. Not counted in ClinVar's aggregate classification.
ClinVar note: Reason: Outlier claim with insufficient supporting evidence

Literature cited by the submitters: PubMed 26392352 (cited by Women's Health and Genetics/Laboratory Corporation of America, LabCorp); PubMed 27525141 (cited by Women's Health and Genetics/Laboratory Corporation of America, LabCorp and Ambry Genetics); PubMed 21698661 (cited by 4 submitters); PubMed 22035805 (cited by 3 submitters); PubMed 23280954 (cited by Women's Health and Genetics/Laboratory Corporation of America, LabCorp); PubMed 26633545 (cited by Baylor Genetics).